The following is an entry in ClinVar:

NM_001042492.3(NF1):c.3173_3174delinsCA (p.Asp1058Ala)

Gene: NF1 (neurofibromin 1; plus strand). Cytogenetic location: 17q11.2.
Variant type: Indel.
Coding change: c.3173_3174delinsCA on transcript NM_001042492.3 (MANE Select); coding-DNA positions 3173 to 3174, AT replaced by CA.
Protein change: p.Asp1058Ala; replaces aspartic acid 1058 with alanine.
Molecular consequence: missense variant.
Genome position (GRCh38, 1-based): chr17:31,230,901-31,230,902, AT replaced by CA. VCF-style: chr17-31230901-AT-CA. GRCh37 (hg19) VCF-style: chr17-29557919-AT-CA.
Other names: c.3173_3174delATinsCA (NM_000267.3); c.3173_3174delATinsCA, p.Asp1058Ala (NM_000267.4); short protein forms D1058A.
Identifiers: ClinVar variation 1038352 (VCV001038352.8), dbSNP rs2067102400, ClinGen allele CA2255567715.

ClinVar aggregate classification (germline): Uncertain significance. Review status: criteria provided, multiple submitters, no conflicts (2 of 4 stars). 2 submissions from 2 submitters: Uncertain significance (2). Last evaluated 2024-07-18.

Conditions:
Hereditary cancer-predisposing syndrome. Also called: Neoplastic Syndromes, Hereditary; Hereditary Cancer Syndrome; Tumor predisposition; Hereditary neoplastic syndrome. Identifiers: Orphanet 140162, MedGen C0027672, MeSH D009386, MONDO:0015356.
Cardiovascular phenotype. Identifiers: MedGen CN230736.
Neurofibromatosis, type 1 (NF1). Also called: NEUROFIBROMATOSIS, TYPE I, SOMATIC; VON RECKLINGHAUSEN DISEASE; Peripheral type neurofibromatosis; Neurofibromatosis, type I. Identifiers: Orphanet 636, MedGen C0027831, MONDO:0018975, OMIM 162200. Disease mechanism: loss of function.

Submissions (2):

Ambry Genetics
Classification: Uncertain significance for Cardiovascular phenotype; Hereditary cancer-predisposing syndrome. Last evaluated: 2024-07-18. Review status: criteria provided, single submitter. Criteria: Ambry Variant Classification Scheme 2023. Collection method: clinical testing. Allele origin: germline.
Comment: The c.3173_3174delATinsCA variant (also known as p.D1058A), located in coding exon 24 of the NF1 gene, results from an in-frame deletion of AT and insertion of CA at nucleotide positions 3173 to 3174. This results in the substitution of the aspartic acid residue for an alanine residue at codon 1058, an amino acid with dissimilar properties. This amino acid position is highly conserved in available vertebrate species. In addition, this alteration is predicted to be inconclusive by in silico analysis (Choi Y et al. PLoS ONE. 2012; 7(10):e46688). Since supporting evidence is limited at this time, the clinical significance of this alteration remains unclear.

Labcorp Genetics (formerly Invitae), Labcorp
Classification: Uncertain significance for Neurofibromatosis, type 1. Last evaluated: 2021-09-06. Review status: criteria provided, single submitter. Criteria: Invitae Variant Classification Sherloc (09022015). Collection method: clinical testing. Allele origin: germline.
Comment: This sequence change replaces aspartic acid with alanine at codon 1058 of the NF1 protein (p.Asp1058Ala). The aspartic acid residue is highly conserved and there is a moderate physicochemical difference between aspartic acid and alanine. The frequency data for this variant in the population databases is not available, as this variant may be reported as separate entries in the ExAC database. This variant has not been reported in the literature in individuals affected with NF1-related conditions. ClinVar contains an entry for this variant (Variation ID: 1038352). Algorithms developed to predict the effect of missense changes on protein structure and function are either unavailable or do not agree on the potential impact of this missense change (SIFT: "Not Available"; PolyPhen-2: "Probably Damaging"; Align-GVGD: "Not Available"). In summary, the available evidence is currently insufficient to determine the role of this variant in disease. Therefore, it has been classified as a Variant of Uncertain Significance.